The following is an entry in ClinVar:

NM_020297.4(ABCC9):c.3038A>G (p.Tyr1013Cys)

Gene: ABCC9 (ATP binding cassette subfamily C member 9; minus strand). Cytogenetic location: 12p12.1.
Variant type: single nucleotide variant.
Coding change: c.3038A>G on transcript NM_020297.4 (MANE Select); coding-DNA position 3038, A replaced by G.
Protein change: p.Tyr1013Cys; replaces tyrosine 1013 with cysteine.
Molecular consequence: missense variant.
Genome position (GRCh38, 1-based): chr12:21,845,661, T>C on the plus strand (A>G on the coding strand, the complement: ABCC9 is on the minus strand). VCF-style: chr12-21845661-T-C. GRCh37 (hg19) VCF-style: chr12-21998595-T-C.
Other names: c.3038A>G, p.Tyr1013Cys (NM_001377273.1, NM_005691.4); c.2171A>G, p.Tyr724Cys (NM_001377274.1); short protein forms Y1013C, Y724C.
Identifiers: ClinVar variation 4531390 (VCV004531390.1).

ClinVar aggregate classification (germline): Uncertain significance (1 of 4 stars; one submission).

Conditions:
Hypertrichotic osteochondrodysplasia Cantu type. Also called: Cantu Syndrome; Cantú Syndrome. Identifiers: Orphanet 1517, MedGen C0795905, MONDO:0009406, OMIM 239850.

Submission:

Victorian Clinical Genetics Services, Murdoch Childrens Research Institute
Classification: Uncertain significance for Hypertrichotic osteochondrodysplasia Cantu type. Last evaluated: 2025-08-08. Review status: criteria provided, single submitter. Criteria: ACMG Guidelines, 2015. Collection method: clinical testing. Allele origin: germline.
Comment: This variant is classified as VUS-3A. Evidence in support of pathogenic classification: Variant is absent from gnomAD (v2, v3 and v4); Missense variant predicted to be damaging by in silico tool(s) or highly conserved with a major amino acid change; Additional information: Variant is predicted to result in a missense amino acid change from Tyr to Cys; This variant is heterozygous; This gene is associated with both recessive and dominant disease. Cardiomyopathy, dilated, 1O (MIM#608569) and hypertrichotic osteochondrodysplasia (Cantu syndrome) (MIM#239850) have an autosomal dominant inheritance pattern, whereas intellectual disability and myopathy syndrome (MIM#619719) is autosomal recessive; Alternative amino acid change(s) at the same position are present in gnomAD (Highest allele count: v4: 3 heterozygote(s), 0 homozygote(s)); This variant has no previous evidence of pathogenicity; No published evidence of segregation with disease has been identified for this variant; No published functional evidence has been identified for this variant; No comparable missense variants have previous evidence for pathogenicity; Variant is located in the annotated ABC transporter transmembrane region domain (DECIPHER) - Loss of function and gain of function are known mechanisms of disease in this gene. Loss of function variants have been reported to cause recessive intellectual disability and myopathy syndrome (MIM#619719), while gain of function variants have been reported to cause dominant hypertrichotic osteochondrodysplasia (Cantu syndrome) (MIM#239850) (PMIDs: 22610116, 31575858). The association to dilated cardiomyopathy, 1O (MIM#608569) is limited (ClinGen); Variants in this gene are known to have variable expressivity, where affected individuals have varying clinical features (PMID: 23307537).

Literature cited by the submitters: PubMed 23307537; PubMed 22610116; PubMed 31575858.